The following is an entry in ClinVar:

ClinVar aggregate classification (germline): Pathogenic (1 of 4 stars; one submission).

Submission:

GeneDx
Classification: Pathogenic. Last evaluated: 2017-04-03. Review status: criteria provided, single submitter. Criteria: GeneDx Variant Classification (06012015). Collection method: clinical testing. Allele origin: germline. Affected: yes.
Comment: The c.2617_2620delGACA variant in the CAD gene has not been reported previously as a pathogenic variant nor as a benign variant, to our knowledge. The c.2617_2620delGACA variant causes a frameshift starting with codon Aspartic acid, changes this amino acid to a Asparagine residue, and creates a premature Stop codon at position 8 of the new reading frame, denoted p.Asp873AsnfsX8. This variant is predicted to cause loss of normal protein function either through protein truncation or nonsense-mediated mRNA decay. The c.2617_2620delGACA variant is not observed in large population cohorts (Lek et al., 2016; 1000 Genomes Consortium et al., 2015; Exome Variant Server). We interpret c.2617_2620delGACA as a pathogenic variant.

NM_004341.5(CAD):c.2617_2620del (p.Asp873fs)

Genes: CAD (carbamoyl-phosphate synthetase 2, aspartate transcarbamylase, and dihydroorotase; plus strand), LOC126806171 (BRD4-independent group 4 enhancer GRCh37_chr2:27454350-27455549; plus strand). Cytogenetic location: 2p23.3.
Variant type: Deletion.
Coding change: c.2617_2620del on transcript NM_004341.5 (MANE Select); coding-DNA positions 2617 to 2620, 4 bases deleted (GACA; older notation c.2617_2620delGACA).
Protein change: p.Asp873fs; shifts the reading frame from aspartic acid 873.
Molecular consequence: frameshift variant.
Genome position (GRCh38, 1-based): chr2:27,232,196-27,232,199, GACA deleted; deleting any 4 consecutive bases within chr2:27,232,194-27,232,199 gives the same sequence; the c. name uses the placement nearest the transcript's 3' end. VCF-style (leftmost placement, unchanged base first): chr2-27232193-TCAGA-T. GRCh37 (hg19) VCF-style: chr2-27455061-TCAGA-T.
Other names: c.2428_2431del, p.Asp810fs (NM_001306079.2); short protein forms D810fs, D873fs.
Identifiers: ClinVar variation 426813 (VCV000426813.2), dbSNP rs1085307810, ClinGen allele CA645293935.
Genomic context (GRCh38, chr2:27,232,193, plus strand): 5'-CAACACCGTGGACAGCCTTTGCCGCCAGACCTGCTGCAACAGGCCAAGTGTCTTGGCTTC[TCAGA>T]CAAACAGATTGCCCTTGCAGTTCTGAGGTCAGAGGTGGCAATGAGAGCTTCCGGCTGGGA-3'